The following is an entry in ClinVar:

ClinVar aggregate classification (germline): Uncertain significance. Review status: criteria provided, multiple submitters, no conflicts (2 of 4 stars). 3 submissions from 3 submitters: Uncertain significance (3). Last evaluated 2025-11-19.

Conditions:
Colorectal cancer, susceptibility to, 1. Also called: COLORECTAL ADENOMA AND CANCER, SUSCEPTIBILITY TO; COLORECTAL CANCER, SUSCEPTIBILITY TO, ON CHROMOSOME 9. Identifiers: MedGen C1837315, MONDO:0012132, OMIM 608812.

Allele frequency attached by ClinVar (database versions not stated): gnomAD exomes 0.00001 and 0.00002; TOPMed 0.00001.

Submissions (3):

Ambry Genetics
Classification: Uncertain significance. Last evaluated: 2025-11-19. Review status: criteria provided, single submitter. Criteria: Ambry Variant Classification Scheme 2023. Collection method: clinical testing. Allele origin: germline.
Comment: The p.R295G variant (also known as c.883A>G), located in coding exon 4 of the GALNT12 gene, results from an A to G substitution at nucleotide position 883. The arginine at codon 295 is replaced by glycine, an amino acid with dissimilar properties. This amino acid position is highly conserved in mammals, but not in lower available vertebrate species. In addition, this alteration is predicted to be tolerated by in silico analysis. The evidence for this gene-disease relationship is limited; therefore, the clinical significance of this alteration is unclear.

Baylor Genetics
Classification: Uncertain significance for Colorectal cancer, susceptibility to, 1. Last evaluated: 2023-09-28. Review status: criteria provided, single submitter. Criteria: ACMG Guidelines, 2015. Collection method: clinical testing. Allele origin: unknown.

Quest Diagnostics Nichols Institute San Juan Capistrano
Classification: Uncertain significance. Last evaluated: 2023-04-17. Review status: criteria provided, single submitter. Criteria: Quest Diagnostics criteria. Collection method: clinical testing. Allele origin: unknown.
Comment: To the best of our knowledge, the variant has not been reported in the published literature. The frequency of this variant in the general population, 0.00012 (4/34566 chromosomes in Latino/Admixed American subpopulation), is higher than would generally be expected for pathogenic variants in this gene. Analysis of this variant using a bioinformatics tool for the prediction of the effect of amino acid changes on protein structure and function yielded predictions that this variant is damaging. Based on the available information, we are unable to determine the clinical significance of this variant.

NM_024642.5(GALNT12):c.883A>G (p.Arg295Gly)

Gene: GALNT12 (polypeptide N-acetylgalactosaminyltransferase 12; plus strand). Cytogenetic location: 9q22.33.
Variant type: single nucleotide variant.
Coding change: c.883A>G on transcript NM_024642.5 (MANE Select); coding-DNA position 883, A replaced by G.
Protein change: p.Arg295Gly; replaces arginine 295 with glycine.
Molecular consequence: missense variant.
Genome position (GRCh38, 1-based): chr9:98,831,923, A>G. VCF-style: chr9-98831923-A-G. GRCh37 (hg19) VCF-style: chr9-101594205-A-G.
Other names: short protein forms R295G.
Identifiers: ClinVar variation 822762 (VCV000822762.7), dbSNP rs1234947730, ClinGen allele CA374218310.